The following is an entry in ClinVar:

ClinVar aggregate classification (germline): Uncertain significance (1 of 4 stars; one submission).

Allele frequency attached by ClinVar (database versions not stated): gnomAD exomes 0.00001; TOPMed 0.00001; ESP Exome Variant Server 0.00008.
gnomAD v4.1: 14 of 1,613,718 alleles (0.00087%); highest among the groups gnomAD compares: Non-Finnish European, 0.0012%; no homozygotes.

Submission:

Labcorp Genetics (formerly Invitae), Labcorp
Classification: Uncertain significance. Last evaluated: 2024-03-27. Review status: criteria provided, single submitter. Criteria: Invitae Variant Classification Sherloc (09022015). Collection method: clinical testing. Allele origin: germline.
Comment: This sequence change replaces leucine, which is neutral and non-polar, with phenylalanine, which is neutral and non-polar, at codon 767 of the MICAL1 protein (p.Leu767Phe). This variant is present in population databases (rs373130397, gnomAD 0.002%). This variant has not been reported in the literature in individuals affected with MICAL1-related conditions. ClinVar contains an entry for this variant (Variation ID: 1921457). An algorithm developed to predict the effect of missense changes on protein structure and function (PolyPhen-2) suggests that this variant¬†is likely to be tolerated. In summary, the available evidence is currently insufficient to determine the role of this variant in disease. Therefore, it has been classified as a Variant of Uncertain Significance.

NM_022765.4(MICAL1):c.2242C>T (p.Leu748Phe)

Gene: MICAL1 (microtubule associated monooxygenase, calponin and LIM domain containing 1; minus strand). Cytogenetic location: 6q21.
Variant type: single nucleotide variant.
Coding change: c.2242C>T on transcript NM_022765.4 (MANE Select); coding-DNA position 2242, C replaced by T.
Protein change: p.Leu748Phe; replaces leucine 748 with phenylalanine.
Molecular consequence: missense variant.
Genome position (GRCh38, 1-based): chr6:109,446,758, G>A on the plus strand (C>T on the coding strand, the complement: MICAL1 is on the minus strand). VCF-style: chr6-109446758-G-A. GRCh37 (hg19) VCF-style: chr6-109767961-G-A.
Other names: c.1984C>T, p.Leu662Phe (NM_001159291.2); c.2299C>T, p.Leu767Phe (NM_001286613.2); short protein forms L662F, L748F, L767F.
Identifiers: ClinVar variation 1921457 (VCV001921457.4), dbSNP rs373130397, ClinGen allele CA145118708.